The following is an entry in ClinVar:

ClinVar aggregate classification (germline): Uncertain significance (1 of 4 stars; one submission).

Conditions:
Bardet-Biedl syndrome 16 (BBS16). Identifiers: Orphanet 110, MedGen C3889474, MONDO:0014444, OMIM 615993.
Senior-Loken syndrome 7 (SLSN7). Identifiers: Orphanet 3156, MedGen C3150877, MONDO:0013326, OMIM 613615.

Submission:

Labcorp Genetics (formerly Invitae), Labcorp
Classification: Uncertain significance for Bardet-Biedl syndrome 16; Senior-Loken syndrome 7. Last evaluated: 2022-03-24. Review status: criteria provided, single submitter. Criteria: Invitae Variant Classification Sherloc (09022015). Collection method: clinical testing. Allele origin: germline.
Comment: In summary, the available evidence is currently insufficient to determine the role of this variant in disease. Therefore, it has been classified as a Variant of Uncertain Significance. This variant is not present in population databases (gnomAD no frequency). This sequence change replaces glutamine, which is neutral and polar, with proline, which is neutral and non-polar, at codon 70 of the SDCCAG8 protein (p.Gln70Pro). Algorithms developed to predict the effect of missense changes on protein structure and function output the following: SIFT: "Deleterious"; PolyPhen-2: "Benign"; Align-GVGD: "Class C0". The proline amino acid residue is found in multiple mammalian species, which suggests that this missense change does not adversely affect protein function. This variant has not been reported in the literature in individuals affected with SDCCAG8-related conditions.

NM_006642.5(SDCCAG8):c.209A>C (p.Gln70Pro)

Gene: SDCCAG8 (SHH signaling and ciliogenesis regulator SDCCAG8; plus strand). Cytogenetic location: 1q43.
Variant type: single nucleotide variant.
Coding change: c.209A>C on transcript NM_006642.5 (MANE Select); coding-DNA position 209, A replaced by C.
Protein change: p.Gln70Pro; replaces glutamine 70 with proline.
Molecular consequence: missense variant. On other transcripts: 5 prime UTR variant (4).
Genome position (GRCh38, 1-based): chr1:243,270,246, A>C. VCF-style: chr1-243270246-A-C. GRCh37 (hg19) VCF-style: chr1-243433548-A-C.
Other names: c.-904A>C (NM_001350246.2); c.-792A>C (NM_001350247.2); c.209A>C, p.Gln70Pro (NM_001350248.2); c.-86A>C (NM_001350249.2); c.-1165A>C (NM_001350251.2); short protein forms Q70P.
Identifiers: ClinVar variation 2116435 (VCV002116435.4), dbSNP rs2067978372, ClinGen allele CA345474475.
Genomic context (GRCh38, chr1:243,270,246, plus strand): 5'-TTTCTTTTAGCACCAGTGTGGGAAATGAGGACGCCAGGACAGCCTGGCCCGAATTACAAC[A>C]GAGCCATGCTGGTGAGTGTGAATGTCAATCCTAGTCTGAATGATGCATAGTGAATTTTTT-3'
Protein context (NP_006633.1, residues 60-80): DARTAWPELQ[Gln70Pro]SHAVNQLKDL